The following is an entry in ClinVar:

ClinVar aggregate classification (germline): Benign. Review status: criteria provided, multiple submitters, no conflicts (2 of 4 stars). 2 submissions from 2 submitters: Benign (2). Last evaluated 2018-06-16.

Allele frequency attached by ClinVar (database versions not stated): gnomAD exomes 0.35217; gnomAD 0.40805 and 0.41078; TOPMed 0.41894; 1000 Genomes Project 0.44069; 1000 Genomes Project 30x 0.45066.
gnomAD v4.1: 509,460 of 1,422,236 alleles (36%); highest among the groups gnomAD compares: African/African-American, 55%; 93,129 homozygotes.

Submissions (2):

GeneDx
Classification: Benign. Last evaluated: 2018-06-16. Review status: criteria provided, single submitter. Criteria: GeneDx Variant Classification (06012015). Collection method: clinical testing. Allele origin: germline. Affected: yes.
Comment: This variant is considered likely benign or benign based on one or more of the following criteria: it is a conservative change, it occurs at a poorly conserved position in the protein, it is predicted to be benign by multiple in silico algorithms, and/or has population frequency not consistent with disease.

Breakthrough Genomics
Classification: Benign. Review status: criteria provided, single submitter. Criteria: ACMG Guidelines, 2015. Collection method: not provided. Allele origin: germline. Inheritance: Autosomal dominant inheritance. Affected: yes.

NM_001035.3(RYR2):c.6688+72T>G

Gene: RYR2 (ryanodine receptor 2; plus strand). Cytogenetic location: 1q43.
Variant type: single nucleotide variant.
Coding change: c.6688+72T>G on transcript NM_001035.3 (MANE Select); 72 bases into the intron after coding-DNA position 6688, T replaced by G.
Molecular consequence: intron variant.
Genome position (GRCh38, 1-based): chr1:237,633,782, T>G. VCF-style: chr1-237633782-T-G. GRCh37 (hg19) VCF-style: chr1-237797082-T-G.
Identifiers: ClinVar variation 671205 (VCV000671205.2), dbSNP rs1967579, ClinGen allele CA10861607.